The following is an entry in ClinVar:

ClinVar aggregate classification (germline): Uncertain significance (1 of 4 stars; one submission).

gnomAD v4.1: 3 of 1,614,110 alleles (0.00019%); highest among the groups gnomAD compares: Non-Finnish European, 0.00025%; no homozygotes.

Submission:

GeneDx
Classification: Uncertain significance. Last evaluated: 2026-03-21. Review status: criteria provided, single submitter. Criteria: GeneDx Variant Classification Process June 2021. Collection method: clinical testing. Allele origin: germline.
Comment: Not observed at significant frequency in large population cohorts (gnomAD); In silico analysis supports that this missense variant has a deleterious effect on protein structure/function; Has not been previously published as pathogenic or benign to our knowledge

NM_001134407.3(GRIN2A):c.3695C>T (p.Ser1232Phe)

Gene: GRIN2A (glutamate ionotropic receptor NMDA type subunit 2A; minus strand). Cytogenetic location: 16p13.2.
Variant type: single nucleotide variant.
Coding change: c.3695C>T on transcript NM_001134407.3 (MANE Select); coding-DNA position 3695, C replaced by T.
Protein change: p.Ser1232Phe; replaces serine 1232 with phenylalanine.
Molecular consequence: missense variant.
Genome position (GRCh38, 1-based): chr16:9,763,849, G>A on the plus strand (C>T on the coding strand, the complement: GRIN2A is on the minus strand). VCF-style: chr16-9763849-G-A. GRCh37 (hg19) VCF-style: chr16-9857706-G-A.
Other names: c.3695C>T, p.Ser1232Phe (NM_000833.5, NM_001134408.2); short protein forms S1232F.
Identifiers: ClinVar variation 4975167 (VCV004975167.1).
Genomic context (GRCh38, chr16:9,763,849, plus strand): 5'-TGGTCTTCATCGATGTCATAGAGGTTCCCCATCCGCAGGCAGGCATCGCACTTGAAGGGG[G>A]ACCTCATGGTGAAGTGGCCTGAATAGGTGGGCATGTTGGAAAGGCAGCTTCTGCAGTGCG-3'
Protein context (NP_001127879.1, residues 1222-1242): PTYSGHFTMR[Ser1232Phe]PFKCDACLRM